The following is an entry in ClinVar:

ClinVar aggregate classification (germline): Uncertain significance (1 of 4 stars; one submission).

Conditions:
Inborn genetic diseases. Identifiers: MedGen C0950123, MeSH D030342.

gnomAD v4.1: 1 of 1,613,136 alleles (0.000062%); highest among the groups gnomAD compares: Non-Finnish European, 0.000085%; no homozygotes.

Submission:

Ambry Genetics
Classification: Uncertain significance for Inborn genetic diseases. Last evaluated: 2025-01-27. Review status: criteria provided, single submitter. Criteria: Ambry Variant Classification Scheme 2023. Collection method: clinical testing. Allele origin: germline.
Comment: The p.N240S variant (also known as c.719A>G), located in coding exon 5 of the ELANE gene, results from an A to G substitution at nucleotide position 719. The asparagine at codon 240 is replaced by serine, an amino acid with highly similar properties. This amino acid position is conserved. In addition, this alteration is predicted to be tolerated by in silico analysis. Based on the available evidence, the clinical significance of this variant remains unclear.

NM_001972.4(ELANE):c.719A>G (p.Asn240Ser)

Gene: ELANE (elastase, neutrophil expressed; plus strand). Cytogenetic location: 19p13.3.
Variant type: single nucleotide variant.
Coding change: c.719A>G on transcript NM_001972.4 (MANE Select); coding-DNA position 719, A replaced by G.
Protein change: p.Asn240Ser; replaces asparagine 240 with serine.
Molecular consequence: missense variant.
Genome position (GRCh38, 1-based): chr19:856,079, A>G. VCF-style: chr19-856079-A-G. GRCh37 (hg19) VCF-style: chr19-856079-A-G.
Other names: short protein forms N240S.
Identifiers: ClinVar variation 3844306 (VCV003844306.1).